The following is an entry in ClinVar:

NM_000243.3(MEFV):c.860C>T (p.Ala287Val)

Gene: MEFV (MEFV innate immunity regulator, pyrin; minus strand). Cytogenetic location: 16p13.3.
Variant type: single nucleotide variant.
Coding change: c.860C>T on transcript NM_000243.3 (MANE Select); coding-DNA position 860, C replaced by T.
Protein change: p.Ala287Val; replaces alanine 287 with valine.
Molecular consequence: missense variant. On other transcripts: intron variant (1).
Genome position (GRCh38, 1-based): chr16:3,254,208, G>A on the plus strand (C>T on the coding strand, the complement: MEFV is on the minus strand). VCF-style: chr16-3254208-G-A. GRCh37 (hg19) VCF-style: chr16-3304208-G-A.
Other names: c.277+2103C>T (NM_001198536.2); short protein forms A287V.
Identifiers: ClinVar variation 3375066 (VCV003375066.1).

ClinVar aggregate classification (germline): Uncertain significance (1 of 4 stars; one submission).

gnomAD v4.1: 1 of 1,614,246 alleles (0.000062%); highest among the groups gnomAD compares: South Asian, 0.0011%; no homozygotes.

Submission:

Women's Health and Genetics/Laboratory Corporation of America, LabCorp
Classification: Uncertain significance. Last evaluated: 2024-09-04. Review status: criteria provided, single submitter. Criteria: LabCorp Variant Classification Summary - May 2015. Collection method: clinical testing. Allele origin: germline.
Comment: Variant summary: MEFV c.860C>T (p.Ala287Val) results in a non-conservative amino acid change in the encoded protein sequence. Four of five in-silico tools predict a benign effect of the variant on protein function. The variant was absent in 251346 control chromosomes (gnomAD). The available data on variant occurrences in the general population are insufficient to allow any conclusion about variant significance. c.860C>T has been reported in the literature in at least an individual affected with Familial Mediterranean Fever (example: Kilinc_2016). This report does not provide unequivocal conclusions about association of the variant with Familial Mediterranean Fever. To our knowledge, no experimental evidence demonstrating an impact on protein function has been reported. The following publication have been ascertained in the context of this evaluation (PMID: 26215181). No submitters have cited clinical-significance assessments for this variant to ClinVar. Based on the evidence outlined above, the variant was classified as uncertain significance.

Literature cited by the submitters: PubMed 26215181.